The following is an entry in ClinVar:

NM_006015.6(ARID1A):c.6338C>T (p.Ser2113Phe)

Gene: ARID1A (AT-rich interaction domain 1A; plus strand). Cytogenetic location: 1p36.11.
Variant type: single nucleotide variant.
Coding change: c.6338C>T on transcript NM_006015.6 (MANE Select); coding-DNA position 6338, C replaced by T.
Protein change: p.Ser2113Phe; replaces serine 2113 with phenylalanine.
Molecular consequence: missense variant.
Genome position (GRCh38, 1-based): chr1:26,780,236, C>T. VCF-style: chr1-26780236-C-T. GRCh37 (hg19) VCF-style: chr1-27106727-C-T.
Other names: c.5687C>T, p.Ser1896Phe (NM_139135.4); short protein forms S1896F, S2113F.
Identifiers: ClinVar variation 3648433 (VCV003648433.2).

ClinVar aggregate classification (germline): Uncertain significance (1 of 4 stars; one submission).

Submission:

Labcorp Genetics (formerly Invitae), Labcorp
Classification: Uncertain significance. Last evaluated: 2024-10-22. Review status: criteria provided, single submitter. Criteria: Invitae Variant Classification Sherloc (09022015). Collection method: clinical testing. Allele origin: germline.
Comment: This sequence change replaces serine, which is neutral and polar, with phenylalanine, which is neutral and non-polar, at codon 2113 of the ARID1A protein (p.Ser2113Phe). This variant is not present in population databases (gnomAD no frequency). This variant has not been reported in the literature in individuals affected with ARID1A-related conditions. Invitae Evidence Modeling of protein sequence and biophysical properties (such as structural, functional, and spatial information, amino acid conservation, physicochemical variation, residue mobility, and thermodynamic stability) indicates that this missense variant is expected to disrupt ARID1A protein function with a positive predictive value of 80%. In summary, the available evidence is currently insufficient to determine the role of this variant in disease. Therefore, it has been classified as a Variant of Uncertain Significance.